The following is an entry in ClinVar:

ClinVar aggregate classification (germline): Uncertain significance (1 of 4 stars; one submission).

Submission:

GeneDx
Classification: Uncertain significance. Last evaluated: 2025-02-13. Review status: criteria provided, single submitter. Criteria: GeneDx Variant Classification Process June 2021. Collection method: clinical testing. Allele origin: germline. Affected: yes.
Comment: Not observed at significant frequency in large population cohorts (gnomAD); In silico analysis supports that this missense variant has a deleterious effect on protein structure/function; Has not been previously published as pathogenic or benign to our knowledge

NM_006265.3(RAD21):c.1706G>T (p.Arg569Leu)

Gene: RAD21 (RAD21 cohesin complex component; minus strand). Cytogenetic location: 8q24.11.
Variant type: single nucleotide variant.
Coding change: c.1706G>T on transcript NM_006265.3 (MANE Select); coding-DNA position 1706, G replaced by T.
Protein change: p.Arg569Leu; replaces arginine 569 with leucine.
Molecular consequence: missense variant.
Genome position (GRCh38, 1-based): chr8:116,847,690, C>A on the plus strand (G>T on the coding strand, the complement: RAD21 is on the minus strand). VCF-style: chr8-116847690-C-A. GRCh37 (hg19) VCF-style: chr8-117859929-C-A.
Other names: short protein forms R569L.
Identifiers: ClinVar variation 4075618 (VCV004075618.1).